The following is an entry in ClinVar:

ClinVar aggregate classification (germline): Uncertain significance. Review status: criteria provided, multiple submitters, no conflicts (2 of 4 stars). 5 submissions from 5 submitters: Uncertain significance (5). Last evaluated 2024-12-02.

Conditions:
Hereditary breast ovarian cancer syndrome. Also called: Hereditary breast and ovarian cancer syndrome (HBOC); Hereditary breast and ovarian cancer syndrome; Breast and ovarian cancer; Hereditary breast and/or ovarian cancer syndrome; Hereditary breast and ovarian cancer; BRCA1- and BRCA2-Associated Hereditary Breast and Ovarian Cancer. Identifiers: Orphanet 145, MedGen C0677776, MeSH D061325, MONDO:0003582. Disease mechanism: loss of function.
Hereditary cancer-predisposing syndrome. Also called: Neoplastic Syndromes, Hereditary; Hereditary Cancer Syndrome; Hereditary neoplastic syndrome; Tumor predisposition. Identifiers: Orphanet 140162, MedGen C0027672, MeSH D009386, MONDO:0015356.
Familial cancer of breast. Also called: BREAST CANCER, FAMILIAL; Hereditary breast cancer; hereditary breast carcinoma. Identifiers: Orphanet 227535, MedGen C0346153, MONDO:0016419, OMIM 114480. Disease mechanism: loss of function.

Submissions (5):

Labcorp Genetics (formerly Invitae), Labcorp
Classification: Uncertain significance for Hereditary breast ovarian cancer syndrome. Last evaluated: 2024-12-02. Review status: criteria provided, single submitter. Criteria: Invitae Variant Classification Sherloc (09022015). Collection method: clinical testing. Allele origin: germline.
Comment: This sequence change replaces isoleucine, which is neutral and non-polar, with phenylalanine, which is neutral and non-polar, at codon 180 of the BRCA2 protein (p.Ile180Phe). This variant is not present in population databases (gnomAD no frequency). This variant has not been reported in the literature in individuals affected with BRCA2-related conditions. ClinVar contains an entry for this variant (Variation ID: 462379). Invitae Evidence Modeling of protein sequence and biophysical properties (such as structural, functional, and spatial information, amino acid conservation, physicochemical variation, residue mobility, and thermodynamic stability) indicates that this missense variant is not expected to disrupt BRCA2 protein function with a negative predictive value of 95%. In summary, the available evidence is currently insufficient to determine the role of this variant in disease. Therefore, it has been classified as a Variant of Uncertain Significance.

Baylor Genetics
Classification: Uncertain significance for Familial cancer of breast. Last evaluated: 2024-02-16. Review status: criteria provided, single submitter. Criteria: ACMG Guidelines, 2015. Collection method: clinical testing. Allele origin: unknown.

Quest Diagnostics Nichols Institute San Juan Capistrano
Classification: Uncertain significance. Last evaluated: 2019-04-24. Review status: criteria provided, single submitter. Criteria: Quest Diagnostics criteria. Collection method: clinical testing. Allele origin: germline.

Color Diagnostics, LLC DBA Color Health
Classification: Uncertain significance for Hereditary cancer-predisposing syndrome. Last evaluated: 2019-04-02. Review status: criteria provided, single submitter. Criteria: ACMG Guidelines, 2015. Collection method: clinical testing. Allele origin: germline.

Ambry Genetics
Classification: Uncertain significance for Hereditary cancer-predisposing syndrome. Last evaluated: 2016-06-23. Review status: criteria provided, single submitter. Criteria: Ambry Variant Classification Scheme 2023. Collection method: clinical testing. Allele origin: germline.
Comment: The p.I180F variant (also known as c.538A>T), located in coding exon 6 of the BRCA2 gene, results from an A to T substitution at nucleotide position 538. The isoleucine at codon 180 is replaced by phenylalanine, an amino acid with highly similar properties. This variant was not reported in population based cohorts in the following databases: Database of Single Nucleotide Polymorphisms (dbSNP), NHLBI Exome Sequencing Project (ESP), and 1000 Genomes Project. In the ESP, this variant was not observed in 6503 samples (13006 alleles) with coverage at this position. To date, this alteration has been detected with an allele frequency of approximately 0.0003% (greater than 300000 alleles tested) in our clinical cohort. This amino acid position is highly conserved in available vertebrate species. In addition, this alteration is predicted to be probably damaging and deleterious by PolyPhen and SIFT in silico analyses, respectively. Since supporting evidence is limited at this time, the clinical significance of this alteration remains unclear.

NM_000059.4(BRCA2):c.538A>T (p.Ile180Phe)

Gene: BRCA2 (BRCA2 DNA repair associated; plus strand). Cytogenetic location: 13q13.1.
Variant type: single nucleotide variant.
Coding change: c.538A>T on transcript NM_000059.4 (MANE Select); coding-DNA position 538, A replaced by T.
Protein change: p.Ile180Phe; replaces isoleucine 180 with phenylalanine.
Molecular consequence: missense variant.
Genome position (GRCh38, 1-based): chr13:32,326,520, A>T. VCF-style: chr13-32326520-A-T. GRCh37 (hg19) VCF-style: chr13-32900657-A-T.
Other names: short protein forms I180F.
Identifiers: ClinVar variation 462379 (VCV000462379.19), dbSNP rs1555281048, ClinGen allele CA387757843.